The following is an entry in ClinVar:

ClinVar aggregate classification (germline): Uncertain significance (1 of 4 stars; one submission).

Conditions:
Hereditary breast ovarian cancer syndrome. Also called: BRCA1- and BRCA2-Associated Hereditary Breast and Ovarian Cancer; Hereditary breast and ovarian cancer syndrome (HBOC); Hereditary breast and/or ovarian cancer syndrome; Hereditary breast and ovarian cancer syndrome; Hereditary breast and ovarian cancer; Breast and ovarian cancer. Identifiers: Orphanet 145, MedGen C0677776, MeSH D061325, MONDO:0003582. Disease mechanism: loss of function.

Submission:

Labcorp Genetics (formerly Invitae), Labcorp
Classification: Uncertain significance for Hereditary breast ovarian cancer syndrome. Last evaluated: 2022-10-11. Review status: criteria provided, single submitter. Criteria: Invitae Variant Classification Sherloc (09022015). Collection method: clinical testing. Allele origin: germline.
Comment: In summary, the available evidence is currently insufficient to determine the role of this variant in disease. Therefore, it has been classified as a Variant of Uncertain Significance. Advanced modeling of protein sequence and biophysical properties (such as structural, functional, and spatial information, amino acid conservation, physicochemical variation, residue mobility, and thermodynamic stability) performed at Invitae indicates that this missense variant is not expected to disrupt BRCA2 protein function. This variant has not been reported in the literature in individuals affected with BRCA2-related conditions. This variant is not present in population databases (gnomAD no frequency). This sequence change replaces arginine, which is basic and polar, with proline, which is neutral and non-polar, at codon 2896 of the BRCA2 protein (p.Arg2896Pro).

NM_000059.4(BRCA2):c.8687G>C (p.Arg2896Pro)

Gene: BRCA2 (BRCA2 DNA repair associated; plus strand). Cytogenetic location: 13q13.1.
Variant type: single nucleotide variant.
Coding change: c.8687G>C on transcript NM_000059.4 (MANE Select); coding-DNA position 8687, G replaced by C.
Protein change: p.Arg2896Pro; replaces arginine 2896 with proline.
Molecular consequence: missense variant.
Genome position (GRCh38, 1-based): chr13:32,376,724, G>C. VCF-style: chr13-32376724-G-C. GRCh37 (hg19) VCF-style: chr13-32950861-G-C.
Other names: c.8591G>C, p.Arg2864Pro (NM_001406719.1); c.8687G>C, p.Arg2896Pro (NM_001406720.1); c.3755G>C, p.Arg1252Pro (NM_001406721.1); c.2270G>C, p.Arg757Pro (NM_001406722.1); short protein forms R1252P, R2864P, R2896P, R757P.
Identifiers: ClinVar variation 1721425 (VCV001721425.6), dbSNP rs80359128, ClinGen allele CA387754798.